The following is an entry in ClinVar:

NM_024741.3(ZNF408):c.1288G>T (p.Val430Leu)

Gene: ZNF408 (zinc finger protein 408; plus strand). Cytogenetic location: 11p11.2.
Variant type: single nucleotide variant.
Coding change: c.1288G>T on transcript NM_024741.3 (MANE Select); coding-DNA position 1288, G replaced by T.
Protein change: p.Val430Leu; replaces valine 430 with leucine.
Molecular consequence: missense variant.
Genome position (GRCh38, 1-based): chr11:46,704,988, G>T. VCF-style: chr11-46704988-G-T. GRCh37 (hg19) VCF-style: chr11-46726538-G-T.
Other names: c.1264G>T, p.Val422Leu (NM_001184751.2); short protein forms V422L, V430L.
Identifiers: ClinVar variation 4635206 (VCV004635206.2).

ClinVar aggregate classification (germline): Uncertain significance. Review status: criteria provided, multiple submitters, no conflicts (2 of 4 stars). 2 submissions from 2 submitters: Uncertain significance (2). Last evaluated 2025-11-13.

Conditions:
Inborn genetic diseases. Identifiers: MedGen C0950123, MeSH D030342.

Submissions (2):

Labcorp Genetics (formerly Invitae), Labcorp
Classification: Uncertain significance. Last evaluated: 2025-11-13. Review status: criteria provided, single submitter. Criteria: Invitae Variant Classification Sherloc (09022015). Collection method: clinical testing. Allele origin: germline.
Comment: This sequence change replaces valine, which is neutral and non-polar, with leucine, which is neutral and non-polar, at codon 430 of the ZNF408 protein (p.Val430Leu). This variant is present in population databases (rs780441401, gnomAD 0.003%). This variant has not been reported in the literature in individuals affected with ZNF408-related conditions. An algorithm developed to predict the effect of missense changes on protein structure and function (PolyPhen-2) suggests that this variant is likely to be disruptive. In summary, the available evidence is currently insufficient to determine the role of this variant in disease. Therefore, it has been classified as a Variant of Uncertain Significance.

Ambry Genetics
Classification: Uncertain significance for Inborn genetic diseases. Last evaluated: 2025-11-08. Review status: criteria provided, single submitter. Criteria: Ambry Variant Classification Scheme 2023. Collection method: clinical testing. Allele origin: germline.